The following is an entry in ClinVar:

NM_012203.2(GRHPR):c.962dup (p.Met322fs)

Gene: GRHPR (glyoxylate and hydroxypyruvate reductase; plus strand). Cytogenetic location: 9p13.2.
Variant type: Duplication.
Coding change: c.962dup on transcript NM_012203.2 (MANE Select); coding-DNA position 962, one base duplicated (C; older notation c.962dupC).
Protein change: p.Met322fs; shifts the reading frame from methionine 322.
Molecular consequence: frameshift variant.
Genome position (GRCh38, 1-based): chr9:37,436,757, C duplicated; the last of 2 consecutive C bases (chr9:37,436,756-37,436,757); duplicating either gives the same sequence. VCF-style (leftmost placement, unchanged base first): chr9-37436755-G-GC. GRCh37 (hg19) VCF-style: chr9-37436752-G-GC.
Other names: short protein forms M322fs.
Identifiers: ClinVar variation 4815555 (VCV004815555.1).

ClinVar aggregate classification (germline): Likely pathogenic (1 of 4 stars; one submission).

Conditions:
Primary hyperoxaluria, type II (HP2). Also called: D-GLYCERATE DEHYDROGENASE DEFICIENCY; GLYCERIC ACIDURIA; GLYOXYLATE REDUCTASE/HYDROXYPYRUVATE REDUCTASE DEFICIENCY; OXALOSIS II; Primary hyperoxaluria type 2. Identifiers: Orphanet 416, Orphanet 93599, MedGen C0268165, MONDO:0009824, OMIM 260000. Disease mechanism: loss of function.

Submission:

Natera, Inc.
Classification: Likely pathogenic for Primary hyperoxaluria type II. Last evaluated: 2025-12-17. Review status: criteria provided, single submitter. Criteria: Natera Variant Classification Schema (03/2026). Collection method: clinical testing. Allele origin: germline.
Comment: The c.962dup variant in GRHPR is a frameshift variant predicted to shift the reading frame beginning at codon 322 and leads to a stop codon 3 codons downstream. This variant is expected to result in nonsense mediated decay, truncation, or a dysfunctional protein product. This variant is rare in the general population with a frequency below the threshold expected for the associated phenotype(s). Given the available evidence, this variant is classified as Likely Pathogenic.